The following is an entry in ClinVar:

NM_002451.4(MTAP):c.*3946A>C

Gene: MTAP (methylthioadenosine phosphorylase; plus strand). Cytogenetic location: 9p21.3.
Variant type: single nucleotide variant.
Coding change: c.*3946A>C on transcript NM_002451.4 (MANE Select); 3946 bases downstream of the stop codon, A replaced by C.
Molecular consequence: 3 prime UTR variant.
Genome position (GRCh38, 1-based): chr9:21,865,960, A>C. VCF-style: chr9-21865960-A-C. GRCh37 (hg19) VCF-style: chr9-21865959-A-C.
Identifiers: ClinVar variation 366319 (VCV000366319.6), dbSNP rs10965168, ClinGen allele CA10629809.

ClinVar aggregate classification (germline): Benign. Review status: criteria provided, multiple submitters, no conflicts (2 of 4 stars). 2 submissions from 2 submitters: Benign (2). Last evaluated 2018-01-12.

Conditions:
Diaphyseal medullary stenosis-bone malignancy syndrome. Also called: MYOPATHY, LIMB-GIRDLE, WITH BONE FRAGILITY; BONE DYSPLASIA WITH MALIGNANT FIBROUS HISTIOCYTOMA; BONE DYSPLASIA WITH MEDULLARY FIBROSARCOMA. Identifiers: Orphanet 85182, MedGen C1862177, MONDO:0007205, OMIM 112250.

Allele frequency attached by ClinVar (database versions not stated): gnomAD 0.21553 and 0.21821; TOPMed 0.23208; 1000 Genomes Project 30x 0.25687; 1000 Genomes Project 0.25919.
gnomAD v4.1: 47,934 of 229,234 alleles (21%); highest among the groups gnomAD compares: Admixed American, 36%; 5,511 homozygotes.

Submissions (2):

Illumina Laboratory Services, Illumina
Classification: Benign for Diaphyseal medullary stenosis-bone malignancy syndrome. Last evaluated: 2018-01-12. Review status: criteria provided, single submitter. Criteria: ICSL Variant Classification Criteria 13 December 2019. Collection method: clinical testing. Allele origin: germline.
Comment: This variant was observed in the ICSL laboratory as part of a predisposition screen in an ostensibly healthy population. It had not been previously curated by ICSL or reported in the Human Gene Mutation Database (HGMD: prior to June 1st, 2018), and was therefore a candidate for classification through an automated scoring system. Utilizing variant allele frequency, disease prevalence and penetrance estimates, and inheritance mode, an automated score was calculated to assess if this variant is too frequent to cause the disease. Based on the score and internal cut-off values, a variant classified as benign is not then subjected to further curation. The score for this variant resulted in a classification of benign for this disease.

Breakthrough Genomics
Classification: Benign. Review status: criteria provided, single submitter. Criteria: ACMG Guidelines, 2015. Collection method: not provided. Allele origin: germline. Inheritance: Autosomal dominant inheritance. Affected: yes.